The following is an entry in ClinVar:

NM_002661.5(PLCG2):c.1068T>G (p.Ile356Met)

Gene: PLCG2 (phospholipase C gamma 2; plus strand). Cytogenetic location: 16q23.3.
Variant type: single nucleotide variant.
Coding change: c.1068T>G on transcript NM_002661.5 (MANE Select); coding-DNA position 1068, T replaced by G.
Protein change: p.Ile356Met; replaces isoleucine 356 with methionine.
Molecular consequence: missense variant.
Genome position (GRCh38, 1-based): chr16:81,893,790, T>G. VCF-style: chr16-81893790-T-G. GRCh37 (hg19) VCF-style: chr16-81927395-T-G.
Other names: short protein forms I356M.
Identifiers: ClinVar variation 1491835 (VCV001491835.6), dbSNP rs1374066580, ClinGen allele CA396898772.

ClinVar aggregate classification (germline): Uncertain significance (1 of 4 stars; one submission).

Conditions:
Familial cold autoinflammatory syndrome 3 (FCAS3). Also called: FAMILIAL ATYPICAL COLD URTICARIA; ANTIBODY DEFICIENCY AND IMMUNE DYSREGULATION, PLCG2-ASSOCIATED. Identifiers: Orphanet 300359, MedGen C3280914, MONDO:0013766, OMIM 614468.

Allele frequency attached by ClinVar (database versions not stated): gnomAD exomes below 0.00001.
gnomAD v4.1: 4 of 1,603,480 alleles (0.00025%); highest among the groups gnomAD compares: Non-Finnish European, 0.00034%; no homozygotes.

Submission:

Labcorp Genetics (formerly Invitae), Labcorp
Classification: Uncertain significance for Familial cold autoinflammatory syndrome 3. Last evaluated: 2021-10-27. Review status: criteria provided, single submitter. Criteria: Invitae Variant Classification Sherloc (09022015). Collection method: clinical testing. Allele origin: germline.
Comment: In summary, the available evidence is currently insufficient to determine the role of this variant in disease. Therefore, it has been classified as a Variant of Uncertain Significance. Algorithms developed to predict the effect of missense changes on protein structure and function are either unavailable or do not agree on the potential impact of this missense change (SIFT: "Deleterious"; PolyPhen-2: "Possibly Damaging"; Align-GVGD: "Class C0"). This variant has not been reported in the literature in individuals affected with PLCG2-related conditions. This variant is present in population databases (no rsID available, gnomAD 0.0009%). This sequence change replaces isoleucine, a(n) neutral and non-polar amino acid, with methionine, a(n) neutral and non-polar amino acid, at codon 356 of the PLCG2 protein (p.Ile356Met).